The following is an entry in ClinVar:

NM_152732.5(RSPH9):c.451G>A (p.Val151Met)

Gene: RSPH9 (radial spoke head component 9; plus strand). Cytogenetic location: 6p21.1.
Variant type: single nucleotide variant.
Coding change: c.451G>A on transcript NM_152732.5 (MANE Select); coding-DNA position 451, G replaced by A.
Protein change: p.Val151Met; replaces valine 151 with methionine.
Molecular consequence: missense variant. On other transcripts: non-coding transcript variant (2).
Genome position (GRCh38, 1-based): chr6:43,655,619, G>A. VCF-style: chr6-43655619-G-A. GRCh37 (hg19) VCF-style: chr6-43623356-G-A.
Other names: c.406G>A, p.Val136Met (NM_001193341.2, NM_001424120.1); c.451G>A, p.Val151Met (NM_001424119.1, NM_001424121.1); short protein forms V151M, V136M.
Identifiers: ClinVar variation 1969300 (VCV001969300.5), dbSNP rs1212095907, ClinGen allele CA364289205.

ClinVar aggregate classification (germline): Uncertain significance (1 of 4 stars; one submission).

Conditions:
Primary ciliary dyskinesia. Also called: Ciliary dyskinesia. Identifiers: Orphanet 244, MedGen C0008780, MONDO:0016575, HP:0012265.

Allele frequency attached by ClinVar (database versions not stated): gnomAD 0.00001; gnomAD exomes 0.00001; TOPMed 0.00001.

Submission:

Labcorp Genetics (formerly Invitae), Labcorp
Classification: Uncertain significance for Primary ciliary dyskinesia. Last evaluated: 2022-10-18. Review status: criteria provided, single submitter. Criteria: Invitae Variant Classification Sherloc (09022015). Collection method: clinical testing. Allele origin: germline.
Comment: In summary, the available evidence is currently insufficient to determine the role of this variant in disease. Therefore, it has been classified as a Variant of Uncertain Significance. Algorithms developed to predict the effect of missense changes on protein structure and function are either unavailable or do not agree on the potential impact of this missense change (SIFT: "Deleterious"; PolyPhen-2: "Probably Damaging"; Align-GVGD: "Class C0"). This variant has not been reported in the literature in individuals affected with RSPH9-related conditions. This variant is not present in population databases (gnomAD no frequency). This sequence change replaces valine, which is neutral and non-polar, with methionine, which is neutral and non-polar, at codon 151 of the RSPH9 protein (p.Val151Met).